The following is an entry in ClinVar:

NM_138420.4(AHNAK2):c.12876T>G (p.Thr4292=)

Gene: AHNAK2 (AHNAK nucleoprotein 2; minus strand). Cytogenetic location: 14q32.33.
Variant type: single nucleotide variant.
Coding change: c.12876T>G on transcript NM_138420.4 (MANE Select); coding-DNA position 12876, T replaced by G.
Protein change: p.Thr4292=; no amino-acid change (threonine 4292 retained).
Molecular consequence: synonymous variant.
Genome position (GRCh38, 1-based): chr14:104,942,575, A>C on the plus strand (T>G on the coding strand, the complement: AHNAK2 is on the minus strand). VCF-style: chr14-104942575-A-C. GRCh37 (hg19) VCF-style: chr14-105408912-A-C.
Other names: c.12576T>G, p.Thr4192= (NM_001350929.2).
Identifiers: ClinVar variation 4534097 (VCV004534097.6).

ClinVar aggregate classification (germline): Likely benign (1 of 4 stars; one submission).

gnomAD v4.1: 64 of 1,612,318 alleles (0.004%); highest among the groups gnomAD compares: African/African-American, 0.062%; 1 homozygote.

Submission:

CeGaT Center for Human Genetics Tuebingen
Classification: Likely benign. Last evaluated: 2025-11-01. Review status: criteria provided, single submitter. Criteria: CeGaT Center For Human Genetics Tuebingen Variant Classification Criteria Version 2. Collection method: clinical testing. Allele origin: germline. Affected: yes. Observed: 1 variant allele.
Comment: AHNAK2: BP4, BP7